The following is an entry in ClinVar:

NM_001282933.2(ZNF341):c.866C>T (p.Thr289Met)

Gene: ZNF341 (zinc finger protein 341; plus strand). Cytogenetic location: 20q11.22.
Variant type: single nucleotide variant.
Coding change: c.866C>T on transcript NM_001282933.2 (MANE Select); coding-DNA position 866, C replaced by T.
Protein change: p.Thr289Met; replaces threonine 289 with methionine.
Molecular consequence: missense variant. On other transcripts: non-coding transcript variant (1).
Genome position (GRCh38, 1-based): chr20:33,757,272, C>T. VCF-style: chr20-33757272-C-T. GRCh37 (hg19) VCF-style: chr20-32345078-C-T.
Other names: c.596C>T, p.Thr199Met (NM_001282935.2); c.866C>T, p.Thr289Met (NM_032819.5); short protein forms T199M, T289M.
Identifiers: ClinVar variation 999825 (VCV000999825.5), dbSNP rs201606943, ClinGen allele CA9819293.
Genomic context (GRCh38, chr20:33,757,272, plus strand): 5'-AGGGATTCAAACCCAAAGGACCAAACCCCGCCGCCCCCATGACCAGCGCCACCGGGGGCA[C>T]GGTGGCCACCTTTGACTCTCCAGCAACGCTGAAGACCCGACGAGCTAAAGGTGCCAGGGG-3'
Protein context (NP_001269862.1, residues 279-299): AAPMTSATGG[Thr289Met]VATFDSPATL

ClinVar aggregate classification (germline): Uncertain significance (1 of 4 stars; one submission).

Allele frequency attached by ClinVar (database versions not stated): gnomAD 0.00005; gnomAD exomes 0.00006 and 0.00014; TOPMed 0.00008; ExAC 0.00010.
gnomAD v4.1: 101 of 1,605,152 alleles (0.0063%); highest among the groups gnomAD compares: South Asian, 0.041%; 1 homozygote.

Submission:

Labcorp Genetics (formerly Invitae), Labcorp
Classification: Uncertain significance. Last evaluated: 2024-11-11. Review status: criteria provided, single submitter. Criteria: Invitae Variant Classification Sherloc (09022015). Collection method: clinical testing. Allele origin: germline.
Comment: This sequence change replaces threonine, which is neutral and polar, with methionine, which is neutral and non-polar, at codon 289 of the ZNF341 protein (p.Thr289Met). This variant is present in population databases (rs201606943, gnomAD 0.1%). This variant has not been reported in the literature in individuals affected with ZNF341-related conditions. ClinVar contains an entry for this variant (Variation ID: 999825). An algorithm developed to predict the effect of missense changes on protein structure and function (PolyPhen-2) suggests that this variant¬†is likely to be tolerated. In summary, the available evidence is currently insufficient to determine the role of this variant in disease. Therefore, it has been classified as a Variant of Uncertain Significance.